The following is an entry in ClinVar:

NM_001943.5(DSG2):c.3210G>A (p.Thr1070=)

Genes: DSG2 (desmoglein 2; plus strand), DSG2-AS1 (DSG2 antisense RNA 1; minus strand). Cytogenetic location: 18q12.1.
Variant type: single nucleotide variant.
Coding change: c.3210G>A on transcript NM_001943.5 (MANE Select); coding-DNA position 3210, G replaced by A.
Protein change: p.Thr1070=; no amino-acid change (threonine 1070 retained).
Molecular consequence: synonymous variant.
Genome position (GRCh38, 1-based): chr18:31,546,596, G>A. VCF-style: chr18-31546596-G-A. GRCh37 (hg19) VCF-style: chr18-29126559-G-A.
Other names: c.3210G>A (LRG_397t1).
Identifiers: ClinVar variation 466339 (VCV000466339.18), dbSNP rs771104963, ClinGen allele CA048075.

ClinVar aggregate classification (germline): Likely benign. Review status: criteria provided, multiple submitters, no conflicts (2 of 4 stars). 5 submissions from 5 submitters: Likely benign (5). Last evaluated 2025-12-23.

Conditions:
Cardiovascular phenotype. Identifiers: MedGen CN230736.
Arrhythmogenic right ventricular cardiomyopathy (ARVD). Also called: Arrhythmogenic Right Ventricular Cardiomyopathy (ARVC); Arrhythmogenic right ventricular dysplasia; Cardiomyopathy, ARVC; Arrhythmogenic cardiomyopathy. Identifiers: Orphanet 247, MedGen C0349788, MeSH D019571, MONDO:0016587. Disease mechanism: loss of function. Inheritance: Various modes of inheritance.
Cardiomyopathy (CMYO). Also called: Cardiomyopathies. Identifiers: Orphanet 167848, MedGen C0878544, MONDO:0004994, HP:0001638. Inheritance: Various modes of inheritance.
Arrhythmogenic right ventricular dysplasia 10. Also called: Arrhythmogenic right ventricular dysplasia/cardiomyopathy, type 10; Arrhythmogenic Right Ventricular Dysplasia/Cardiomyopathy10; ARRHYTHMOGENIC RIGHT VENTRICULAR DYSPLASIA, FAMILIAL, 10. Identifiers: MedGen C1857777, MONDO:0012434, OMIM 610193.

Allele frequency attached by ClinVar (database versions not stated): ExAC 0.00004; TOPMed 0.00001; gnomAD 0.00003.

Submissions (5):

Labcorp Genetics (formerly Invitae), Labcorp
Classification: Likely benign for Arrhythmogenic right ventricular dysplasia 10. Last evaluated: 2025-12-23. Review status: criteria provided, single submitter. Criteria: Invitae Variant Classification Sherloc (09022015). Collection method: clinical testing. Allele origin: germline.

All of Us Research Program, National Institutes of Health
Classification: Likely benign for Arrhythmogenic right ventricular cardiomyopathy. Last evaluated: 2023-12-01. Review status: criteria provided, single submitter. Criteria: ACMG Guidelines, 2015. Collection method: clinical testing. Allele origin: germline. Inheritance: Autosomal dominant inheritance. Observed: 4 variant alleles, 4 heterozygotes.
Comment: This is a synonymous variant that does not change the amino acid sequence of the DSG2 protein. However, computational splicing tools suggest that this variant may impact RNA splicing. To our knowledge, functional studies have not been reported for this variant. This variant has not been reported in individuals affected with cardiovascular disorders in the literature. This variant has been identified in 8/280796 chromosomes in the general population by the Genome Aggregation Database (gnomAD). The available evidence is insufficient to determine the role of this variant in disease conclusively. Therefore, this variant is classified as a Variant of Uncertain Significance.

This study involves interpretation of variants in research participants for the purpose of population health screening. Participant phenotype was not available at the time of variant classification. Additional details can be found in publication PMID: 35346344, PMCID: PMC8962531

Color Diagnostics, LLC DBA Color Health
Classification: Likely benign for Cardiomyopathy. Last evaluated: 2023-09-05. Review status: criteria provided, single submitter. Criteria: ACMG Guidelines, 2015. Collection method: clinical testing. Allele origin: germline.

Blueprint Genetics
Classification: Likely benign. Last evaluated: 2023-02-23. Review status: criteria provided, single submitter. Criteria: ACMG Guidelines, 2015. Collection method: clinical testing. Allele origin: germline.

Ambry Genetics
Classification: Likely benign for Cardiovascular phenotype. Last evaluated: 2020-08-05. Review status: criteria provided, single submitter. Criteria: Ambry Variant Classification Scheme 2023. Collection method: clinical testing. Allele origin: germline.